The following is an entry in ClinVar:

ClinVar aggregate classification (germline): Uncertain significance. Review status: criteria provided, multiple submitters, no conflicts (2 of 4 stars). 2 submissions from 2 submitters: Uncertain significance (2). Last evaluated 2025-10-22.

Conditions:
Inborn genetic diseases. Identifiers: MedGen C0950123, MeSH D030342.

Allele frequency attached by ClinVar (database versions not stated): gnomAD exomes below 0.00001; ExAC 0.00001.

Submissions (2):

Ambry Genetics
Classification: Uncertain significance for Inborn genetic diseases. Last evaluated: 2025-10-22. Review status: criteria provided, single submitter. Criteria: Ambry Variant Classification Scheme 2023. Collection method: clinical testing. Allele origin: germline.

Labcorp Genetics (formerly Invitae), Labcorp
Classification: Uncertain significance. Last evaluated: 2021-08-31. Review status: criteria provided, single submitter. Criteria: Invitae Variant Classification Sherloc (09022015). Collection method: clinical testing. Allele origin: germline.
Comment: This variant has not been reported in the literature in individuals affected with DOCK6-related conditions. This sequence change replaces glutamic acid with glycine at codon 1248 of the DOCK6 protein (p.Glu1248Gly). The glutamic acid residue is moderately conserved and there is a moderate physicochemical difference between glutamic acid and glycine. This variant is present in population databases (rs772935422, ExAC 0.002%). Algorithms developed to predict the effect of missense changes on protein structure and function are either unavailable or do not agree on the potential impact of this missense change (SIFT: "Tolerated"; PolyPhen-2: "Possibly Damaging"; Align-GVGD: "Class C0"). In summary, the available evidence is currently insufficient to determine the role of this variant in disease. Therefore, it has been classified as a Variant of Uncertain Significance.

NM_020812.4(DOCK6):c.3743A>G (p.Glu1248Gly)

Genes: DOCK6 (dedicator of cytokinesis 6; minus strand), DOCK6-AS1 (DOCK6 antisense RNA 1; plus strand). Cytogenetic location: 19p13.2.
Variant type: single nucleotide variant.
Coding change: c.3743A>G on transcript NM_020812.4 (MANE Select); coding-DNA position 3743, A replaced by G.
Protein change: p.Glu1248Gly; replaces glutamic acid 1248 with glycine.
Molecular consequence: missense variant.
Genome position (GRCh38, 1-based): chr19:11,217,065, T>C on the plus strand (A>G on the coding strand, the complement: DOCK6 is on the minus strand). VCF-style: chr19-11217065-T-C. GRCh37 (hg19) VCF-style: chr19-11327741-T-C.
Other names: c.3743A>G (NM_020812.2); c.3848A>G, p.Glu1283Gly (NM_001367830.1); short protein forms E1248G, E1283G.
Identifiers: ClinVar variation 1451000 (VCV001451000.7), dbSNP rs772935422, ClinGen allele CA9207139.